The following is an entry in ClinVar:

NM_000138.5(FBN1):c.4172_4173delinsAA (p.Cys1391Ter)

Gene: FBN1 (fibrillin 1; minus strand). Cytogenetic location: 15q21.1.
Variant type: Indel.
Coding change: c.4172_4173delinsAA on transcript NM_000138.5 (MANE Select); coding-DNA positions 4172 to 4173, GC replaced by AA.
Protein change: p.Cys1391Ter; replaces cysteine 1391 with a stop codon.
Molecular consequence: nonsense.
Genome position (GRCh38, 1-based): chr15:48,474,292-48,474,293, GC replaced by TT on the plus strand (GC replaced by AA on the coding strand, the reverse complement: FBN1 is on the minus strand). VCF-style: chr15-48474292-GC-TT. GRCh37 (hg19) VCF-style: chr15-48766489-GC-TT.
Other names: c.4172_4173delinsAA, p.Cys1391Ter (NM_001406716.1); short protein forms C1391*.
Identifiers: ClinVar variation 4784829 (VCV004784829.1).
Genomic context (GRCh38, chr15:48,474,292, plus strand): 5'-AGTTGTTTCCAGCGTGAACATACCTGTACAAGTGAAGCCATCACCTGTGTATCCTTCCTT[GC>TT]ACAGACAGCGGTAAGATCCCATGGTATTCTTGCAGTCTGCATGCTGGCTGCACATATGGG-3'

ClinVar aggregate classification (germline): Pathogenic (1 of 4 stars; one submission).

Conditions:
Marfan syndrome (MFS). Also called: FBN1-Related Marfan Syndrome; MARFAN SYNDROME, TYPE I; Marfan syndrome type 1; Marfan's syndrome; Marfan syndrome, classic. Identifiers: Orphanet 284963, Orphanet 558, MedGen C0024796, MONDO:0007947, OMIM 154700.
Familial thoracic aortic aneurysm and aortic dissection (TAAD). Also called: Thoracic aortic aneurysms and dissections. Identifiers: Orphanet 91387, MedGen C4707243, MONDO:0019625.

Submission:

Labcorp Genetics (formerly Invitae), Labcorp
Classification: Pathogenic for Marfan syndrome; Familial thoracic aortic aneurysm and aortic dissection. Last evaluated: 2025-04-24. Review status: criteria provided, single submitter. Criteria: Invitae Variant Classification Sherloc (09022015). Collection method: clinical testing. Allele origin: germline.
Comment: This sequence change creates a premature translational stop signal (p.Cys1391*) in the FBN1 gene. It is expected to result in an absent or disrupted protein product. Loss-of-function variants in FBN1 are known to be pathogenic (PMID: 17657824, 19293843). Information on the frequency of this variant in the gnomAD database is not available, as this variant may be reported differently in the database. This premature translational stop signal has been observed in individual(s) with Marfan syndrome (PMID: 16222657). For these reasons, this variant has been classified as Pathogenic.

Literature cited by the submitters: PubMed 17657824; PubMed 19293843; PubMed 16222657.